The following is an entry in ClinVar:

NM_001330700.2(TOP2B):c.3700A>G (p.Met1234Val)

Gene: TOP2B (DNA topoisomerase II beta; minus strand). Cytogenetic location: 3p24.2.
Variant type: single nucleotide variant.
Coding change: c.3700A>G on transcript NM_001330700.2 (MANE Select); coding-DNA position 3700, A replaced by G.
Protein change: p.Met1234Val; replaces methionine 1234 with valine.
Molecular consequence: missense variant.
Genome position (GRCh38, 1-based): chr3:25,612,601, T>C on the plus strand (A>G on the coding strand, the complement: TOP2B is on the minus strand). VCF-style: chr3-25612601-T-C. GRCh37 (hg19) VCF-style: chr3-25654092-T-C.
Other names: c.3685A>G, p.Met1229Val (NM_001068.3); short protein forms M1229V, M1234V.
Identifiers: ClinVar variation 3620470 (VCV003620470.2).

ClinVar aggregate classification (germline): Uncertain significance (1 of 4 stars; one submission).

Submission:

Labcorp Genetics (formerly Invitae), Labcorp
Classification: Uncertain significance. Last evaluated: 2024-07-02. Review status: criteria provided, single submitter. Criteria: Invitae Variant Classification Sherloc (09022015). Collection method: clinical testing. Allele origin: germline.
Comment: This sequence change replaces methionine, which is neutral and non-polar, with valine, which is neutral and non-polar, at codon 1229 of the TOP2B protein (p.Met1229Val). This variant is present in population databases (no rsID available, gnomAD 0.0009%). This variant has not been reported in the literature in individuals affected with TOP2B-related conditions. An algorithm developed to predict the effect of missense changes on protein structure and function (PolyPhen-2) suggests that this variant is likely to be tolerated. In summary, the available evidence is currently insufficient to determine the role of this variant in disease. Therefore, it has been classified as a Variant of Uncertain Significance.